The following is an entry in ClinVar:

NM_022132.5(MCCC2):c.1072+1G>A

Gene: MCCC2 (methylcrotonyl-CoA carboxylase subunit 2; plus strand). Cytogenetic location: 5q13.2.
Variant type: single nucleotide variant.
Coding change: c.1072+1G>A on transcript NM_022132.5 (MANE Select); the canonical splice donor site of the intron after coding-DNA position 1072, G replaced by A.
Molecular consequence: splice donor variant.
Genome position (GRCh38, 1-based): chr5:71,641,076, G>A. VCF-style: chr5-71641076-G-A. GRCh37 (hg19) VCF-style: chr5-70936903-G-A.
Other names: c.958+1G>A (NM_001363147.1).
Identifiers: ClinVar variation 2445862 (VCV002445862.6), dbSNP rs781013376, ClinGen allele CA3297991.

ClinVar aggregate classification (germline): Likely pathogenic. Review status: criteria provided, multiple submitters, no conflicts (2 of 4 stars). 3 submissions from 3 submitters: Likely pathogenic (3). Last evaluated 2025-06-09.

Conditions:
3-methylcrotonyl-CoA carboxylase 2 deficiency. Also called: 3 alpha methylcrotonyl-CoA carboxylase 2 deficiency; 3 alpha methylcrotonylglycinuria 2; MCC 2 deficiency; Methylcrotonylglycinuria type 2; METHYLCROTONYLGLYCINURIA, TYPE II. Identifiers: Orphanet 6, MedGen C1859499, MONDO:0008862, OMIM 210210.
Methylcrotonyl-CoA carboxylase deficiency. Also called: Deficiency of methylcrotonoyl-CoA carboxylase; 3 Methylcrotonylglycinuria; 3-MCC Deficiency. Identifiers: Orphanet 6, MedGen C4551505, MONDO:0018950.

Allele frequency attached by ClinVar (database versions not stated): ExAC 0.00001; TOPMed 0.00001; gnomAD 0.00002.
gnomAD v4.1: 4 of 1,612,396 alleles (0.00025%); highest among the groups gnomAD compares: Non-Finnish European, 0.00034%; no homozygotes.

Submissions (3):

Natera, Inc.
Classification: Likely pathogenic for 3-methylcrotonyl-CoA carboxylase 2 deficiency. Last evaluated: 2025-06-09. Review status: criteria provided, single submitter. Criteria: Natera Variant Classification Schema (03/2026). Collection method: clinical testing. Allele origin: germline.
Comment: The c.1072+1G>A variant in MCCC2 is a canonical splice donor site variant predicted to affect pre-mRNA splicing, which may result in an abnormal transcript and altered protein product. This variant is expected to result in nonsense mediated decay, truncation, or a dysfunctional protein product. This variant is rare in the general population with a frequency below the threshold expected for the associated phenotype(s). Given the available evidence, this variant is classified as Likely Pathogenic.

Women's Health and Genetics/Laboratory Corporation of America, LabCorp
Classification: Likely pathogenic for Methylcrotonyl-CoA carboxylase deficiency. Last evaluated: 2023-02-15. Review status: criteria provided, single submitter. Criteria: LabCorp Variant Classification Summary - May 2015. Collection method: clinical testing. Allele origin: germline.
Comment: Variant summary: MCCC2 c.1072+1G>A is located in a canonical splice-site and is predicted to affect mRNA splicing resulting in a significantly altered protein due to either exon skipping, shortening, or inclusion of intronic material. Several computational tools predict a significant impact on normal splicing: Four predict the variant abolishes a 5' splicing donor site. However, these predictions have yet to be confirmed by functional studies. The variant was absent in 251170 control chromosomes. To our knowledge, no occurrence of c.1072+1G>A in individuals affected with Methylcrotonyl-CoA Carboxylase Deficiency and no experimental evidence demonstrating its impact on protein function have been reported. No clinical diagnostic laboratories have submitted clinical-significance assessments for this variant to ClinVar after 2014. Based on the evidence outlined above, the variant was classified as likely pathogenic.

Labcorp Genetics (formerly Invitae), Labcorp
Classification: Likely pathogenic for 3-methylcrotonyl-CoA carboxylase 2 deficiency. Last evaluated: 2023-01-09. Review status: criteria provided, single submitter. Criteria: Invitae Variant Classification Sherloc (09022015). Collection method: clinical testing. Allele origin: germline.
Comment: In summary, the currently available evidence indicates that the variant is pathogenic, but additional data are needed to prove that conclusively. Therefore, this variant has been classified as Likely Pathogenic. Algorithms developed to predict the effect of sequence changes on RNA splicing suggest that this variant may disrupt the consensus splice site. This variant has not been reported in the literature in individuals affected with MCCC2-related conditions. This variant is present in population databases (rs781013376, gnomAD 0.002%). This sequence change affects a donor splice site in intron 11 of the MCCC2 gene. It is expected to disrupt RNA splicing. Variants that disrupt the donor or acceptor splice site typically lead to a loss of protein function (PMID: 16199547), and loss-of-function variants in MCCC2 are known to be pathogenic (PMID: 11181649, 22642865).

Literature cited by the submitters: PubMed 16199547 (cited by Labcorp Genetics (formerly Invitae), Labcorp); PubMed 11181649 (cited by Labcorp Genetics (formerly Invitae), Labcorp); PubMed 22642865 (cited by Labcorp Genetics (formerly Invitae), Labcorp).